The following is an entry in ClinVar:

NM_001369.3(DNAH5):c.11214del (p.Glu3738fs)

Genes: DNAH5 (dynein axonemal heavy chain 5; minus strand), LOC107457585 (meiotic recombination hotspot J; plus strand). Cytogenetic location: 5p15.2.
Variant type: Deletion.
Coding change: c.11214del on transcript NM_001369.3 (MANE Select); coding-DNA position 11214, one base deleted (A; older notation c.11214delA).
Protein change: p.Glu3738fs; shifts the reading frame from glutamic acid 3738.
Molecular consequence: frameshift variant.
Genome position (GRCh38, 1-based): chr5:13,737,493, T deleted on the plus strand (A on the coding strand, the reverse complement: DNAH5 is on the minus strand); the first of 2 consecutive T bases (chr5:13,737,493-13,737,494); deleting either gives the same sequence. VCF-style (leftmost placement, unchanged base first): chr5-13737492-AT-A. GRCh37 (hg19) VCF-style: chr5-13737601-AT-A.
Other names: short protein forms E3738fs.
Identifiers: ClinVar variation 4814852 (VCV004814852.1).

ClinVar aggregate classification (germline): Likely pathogenic (1 of 4 stars; one submission).

Conditions:
Primary ciliary dyskinesia. Also called: Ciliary dyskinesia. Identifiers: Orphanet 244, MedGen C0008780, MONDO:0016575, HP:0012265.

Submission:

Natera, Inc.
Classification: Likely pathogenic for Primary ciliary dyskinesia. Last evaluated: 2024-04-29. Review status: criteria provided, single submitter. Criteria: Natera Variant Classification Schema (03/2026). Collection method: clinical testing. Allele origin: germline.
Comment: The c.11214delA variant in DNAH5 is a frameshift variant predicted to shift the reading frame beginning at codon 3738 and leads to a stop codon 9 codons downstream. This variant is expected to result in nonsense mediated decay, truncation, or a dysfunctional protein product. This variant is rare in the general population with a frequency below the threshold expected for the associated phenotype(s). Given the available evidence, this variant is classified as Likely Pathogenic.